The following is an entry in ClinVar:

ClinVar aggregate classification (germline): Uncertain significance. Review status: criteria provided, multiple submitters, no conflicts (2 of 4 stars). 2 submissions from 2 submitters: Uncertain significance (2). Last evaluated 2025-09-27.

Conditions:
Retinoblastoma (RB1). Also called: RETINOBLASTOMA, SOMATIC. Identifiers: Orphanet 790, MedGen C0035335, MeSH D012175, MONDO:0008380, OMIM 180200, HP:0009919. Disease mechanism: loss of function. Inheritance: Both sporadic and heritable forms are tested..

Allele frequency attached by ClinVar (database versions not stated): gnomAD exomes below 0.00001.

Submissions (2):

Labcorp Genetics (formerly Invitae), Labcorp
Classification: Uncertain significance for Retinoblastoma. Last evaluated: 2025-09-27. Review status: criteria provided, single submitter. Criteria: Invitae Variant Classification Sherloc (09022015). Collection method: clinical testing. Allele origin: germline.
Comment: This sequence change replaces glutamic acid, which is acidic and polar, with lysine, which is basic and polar, at codon 465 of the RB1 protein (p.Glu465Lys). This variant is not present in population databases (gnomAD no frequency). This variant has not been reported in the literature in individuals affected with RB1-related conditions. ClinVar contains an entry for this variant (Variation ID: 3071750). Invitae Evidence Modeling of protein sequence and biophysical properties (such as structural, functional, and spatial information, amino acid conservation, physicochemical variation, residue mobility, and thermodynamic stability) indicates that this missense variant is not expected to disrupt RB1 protein function with a negative predictive value of 80%. Algorithms developed to predict the effect of sequence changes on RNA splicing suggest that this variant may disrupt the consensus splice site. In summary, the available evidence is currently insufficient to determine the role of this variant in disease. Therefore, it has been classified as a Variant of Uncertain Significance.

All of Us Research Program, National Institutes of Health
Classification: Uncertain significance for Retinoblastoma. Last evaluated: 2023-06-28. Review status: criteria provided, single submitter. Criteria: ACMG Guidelines, 2015. Collection method: clinical testing. Allele origin: germline. Inheritance: Autosomal dominant inheritance. Observed: 1 variant allele, 1 heterozygote.
Comment: This study involves interpretation of variants in research participants for the purpose of population health screening. Participant phenotype was not available at the time of variant classification. Additional details can be found in publication PMID: 35346344, PMCID: PMC8962531

NM_000321.3(RB1):c.1393G>A (p.Glu465Lys)

Gene: RB1 (RB transcriptional corepressor 1; plus strand). Cytogenetic location: 13q14.2.
Variant type: single nucleotide variant.
Coding change: c.1393G>A on transcript NM_000321.3 (MANE Select); coding-DNA position 1393, G replaced by A.
Protein change: p.Glu465Lys; replaces glutamic acid 465 with lysine.
Molecular consequence: missense variant.
Genome position (GRCh38, 1-based): chr13:48,380,056, G>A. VCF-style: chr13-48380056-G-A. GRCh37 (hg19) VCF-style: chr13-48954192-G-A.
Other names: c.1393G>A, p.Glu465Lys (NM_001407165.1, NM_001407166.1); short protein forms E465K.
Identifiers: ClinVar variation 3071750 (VCV003071750.2), dbSNP rs2138142183, ClinGen allele CA388162677.